The following is an entry in ClinVar:

NM_001079827.2(CLRN2):c.235C>T (p.Arg79Cys)

Gene: CLRN2 (clarin 2; plus strand). Cytogenetic location: 4p15.32.
Variant type: single nucleotide variant.
Coding change: c.235C>T on transcript NM_001079827.2 (MANE Select); coding-DNA position 235, C replaced by T.
Protein change: p.Arg79Cys; replaces arginine 79 with cysteine.
Molecular consequence: missense variant.
Genome position (GRCh38, 1-based): chr4:17,515,501, C>T. VCF-style: chr4-17515501-C-T. GRCh37 (hg19) VCF-style: chr4-17517124-C-T.
Other names: short protein forms R79C.
Identifiers: ClinVar variation 3051809 (VCV003051809.3), dbSNP rs762292714, ClinGen allele CA2868355.

ClinVar aggregate classification (germline): Uncertain significance. Review status: criteria provided, single submitter (1 of 4 stars). 2 submissions from 2 submitters: Uncertain significance (1). 1 of the submissions does not count toward it. Last evaluated 2025-08-24.

Conditions:
CLRN2-related disorder. Also called: CLRN2-related condition.

Allele frequency attached by ClinVar (database versions not stated): gnomAD exomes below 0.00001; gnomAD 0.00001; TOPMed 0.00001; ExAC 0.00002.

Submissions (2):

Ambry Genetics
Classification: Uncertain significance. Last evaluated: 2025-08-24. Review status: criteria provided, single submitter. Criteria: Ambry Variant Classification Scheme 2023. Collection method: clinical testing. Allele origin: germline.

PreventionGenetics, part of Exact Sciences
Classification: Uncertain significance for CLRN2-related condition. Last evaluated: 2024-01-03. Review status: no assertion criteria provided. Collection method: clinical testing. Allele origin: germline. Not counted in ClinVar's aggregate classification.
Comment: The CLRN2 c.235C>T variant is predicted to result in the amino acid substitution p.Arg79Cys. To our knowledge, this variant has not been reported in the literature. This variant is reported in 0.0051% of alleles in individuals of East Asian descent in gnomAD. At this time, the clinical significance of this variant is uncertain due to the absence of conclusive functional and genetic evidence.